The following is an entry in ClinVar:

ClinVar aggregate classification (germline): Uncertain significance (1 of 4 stars; one submission).

Conditions:
Charcot-Marie-Tooth disease dominant intermediate B (CMTDIB). Also called: CHARCOT-MARIE-TOOTH NEUROPATHY, DOMINANT INTERMEDIATE B; Charcot-Marie-Tooth disease dominant intermediate 1; CMT DI1; Charcot-Marie-Tooth disease dominant intermediate I. Identifiers: Orphanet 100044, Orphanet 228179, MedGen C1847902, MONDO:0011674, OMIM 606482.

Allele frequency attached by ClinVar (database versions not stated): ExAC 0.00001; gnomAD 0.00001; gnomAD exomes below 0.00001; TOPMed below 0.00001.
gnomAD v4.1: 4 of 1,614,098 alleles (0.00025%); highest among the groups gnomAD compares: Non-Finnish European, 0.00034%; no homozygotes.

Submission:

Labcorp Genetics (formerly Invitae), Labcorp
Classification: Uncertain significance for Charcot-Marie-Tooth disease dominant intermediate B. Last evaluated: 2023-08-17. Review status: criteria provided, single submitter. Criteria: Invitae Variant Classification Sherloc (09022015). Collection method: clinical testing. Allele origin: germline.
Comment: In summary, the available evidence is currently insufficient to determine the role of this variant in disease. Therefore, it has been classified as a Variant of Uncertain Significance. Advanced modeling of protein sequence and biophysical properties (such as structural, functional, and spatial information, amino acid conservation, physicochemical variation, residue mobility, and thermodynamic stability) has been performed at Invitae for this missense variant, however the output from this modeling did not meet the statistical confidence thresholds required to predict the impact of this variant on DNM2 protein function. This variant has not been reported in the literature in individuals affected with DNM2-related conditions. This variant is present in population databases (rs748520274, gnomAD 0.0009%). This sequence change replaces glutamine, which is neutral and polar, with arginine, which is basic and polar, at codon 433 of the DNM2 protein (p.Gln433Arg).

NM_001005361.3(DNM2):c.1196+723A>G

Gene: DNM2 (dynamin 2; plus strand). Cytogenetic location: 19p13.2.
Variant type: single nucleotide variant.
Coding change: c.1196+723A>G on transcript NM_001005361.3 (MANE Select); 723 bases into the intron after coding-DNA position 1196, A replaced by G.
Molecular consequence: intron variant. On other transcripts: missense variant (3).
Genome position (GRCh38, 1-based): chr19:10,796,162, A>G. VCF-style: chr19-10796162-A-G. GRCh37 (hg19) VCF-style: chr19-10906838-A-G.
Other names: c.1298A>G, p.Gln433Arg (NM_001005360.3, NM_001190716.2, NM_004945.4); c.1196+723A>G (NM_001005362.3); short protein forms Q433R.
Identifiers: ClinVar variation 2902745 (VCV002902745.3), dbSNP rs748520274, ClinGen allele CA9201044.